The following is an entry in ClinVar:

NM_003482.4(KMT2D):c.1464G>A (p.Pro488=)

Gene: KMT2D (lysine methyltransferase 2D; minus strand). Cytogenetic location: 12q13.12.
Variant type: single nucleotide variant.
Coding change: c.1464G>A on transcript NM_003482.4 (MANE Select); coding-DNA position 1464, G replaced by A.
Protein change: p.Pro488=; no amino-acid change (proline 488 retained).
Molecular consequence: synonymous variant.
Genome position (GRCh38, 1-based): chr12:49,052,219, C>T on the plus strand (G>A on the coding strand, the complement: KMT2D is on the minus strand). VCF-style: chr12-49052219-C-T. GRCh37 (hg19) VCF-style: chr12-49446002-C-T.
Identifiers: ClinVar variation 789390 (VCV000789390.14), dbSNP rs201966522, ClinGen allele CA6548477.

ClinVar aggregate classification (germline): Benign/Likely benign. Review status: criteria provided, multiple submitters, no conflicts (2 of 4 stars). 4 submissions from 4 submitters: Benign (1); Likely benign (3). Last evaluated 2026-01-07.

Conditions:
Kabuki syndrome. Also called: NIIKAWA-KUROKI SYNDROME; Kabuki make-up syndrome. Identifiers: Orphanet 2322, MedGen C0796004, MONDO:0016512.

Allele frequency attached by ClinVar (database versions not stated): ExAC 0.00007; gnomAD exomes 0.00010; gnomAD 0.00013 and 0.00014; TOPMed 0.00015; 1000 Genomes Project 0.00020; ESP Exome Variant Server 0.00024; 1000 Genomes Project 30x 0.00031.
gnomAD v4.1: 257 of 1,609,856 alleles (0.016%); highest among the groups gnomAD compares: African/African-American, 0.023%; no homozygotes.

Submissions (4):

Labcorp Genetics (formerly Invitae), Labcorp
Classification: Likely benign for Kabuki syndrome. Last evaluated: 2026-01-07. Review status: criteria provided, single submitter. Criteria: Invitae Variant Classification Sherloc (09022015). Collection method: clinical testing. Allele origin: germline.

CeGaT Center for Human Genetics Tuebingen
Classification: Likely benign. Last evaluated: 2026-01-01. Review status: criteria provided, single submitter. Criteria: CeGaT Center For Human Genetics Tuebingen Variant Classification Criteria Version 2. Collection method: clinical testing. Allele origin: germline. Affected: yes. Observed: 1 variant allele.
Comment: KMT2D: BP4, BP7

Laboratory of Genetics, Children's Clinical University Hospital Latvia
Classification: Benign. Last evaluated: 2025-02-16. Review status: criteria provided, single submitter. Criteria: ACMG Guidelines, 2015. Collection method: clinical testing. Allele origin: germline. Affected: yes.

Blueprint Genetics
Classification: Likely benign. Last evaluated: 2024-02-07. Review status: criteria provided, single submitter. Criteria: ACMG Guidelines, 2015. Collection method: clinical testing. Allele origin: germline.